The following is an entry in ClinVar:

NM_001690.4(ATP6V1A):c.327C>T (p.Ile109=)

Gene: ATP6V1A (ATPase H+ transporting V1 subunit A; plus strand). Cytogenetic location: 3q13.31.
Variant type: single nucleotide variant.
Coding change: c.327C>T on transcript NM_001690.4 (MANE Select); coding-DNA position 327, C replaced by T.
Protein change: p.Ile109=; no amino-acid change (isoleucine 109 retained).
Molecular consequence: synonymous variant.
Genome position (GRCh38, 1-based): chr3:113,784,339, C>T. VCF-style: chr3-113784339-C-T. GRCh37 (hg19) VCF-style: chr3-113503186-C-T.
Identifiers: ClinVar variation 2654050 (VCV002654050.24), dbSNP rs756911040, ClinGen allele CA2547809.

ClinVar aggregate classification (germline): Uncertain significance (1 of 4 stars; one submission).

Allele frequency attached by ClinVar (database versions not stated): gnomAD exomes below 0.00001; gnomAD 0.00001; TOPMed 0.00001; ExAC 0.00002.
gnomAD v4.1: 7 of 1,613,990 alleles (0.00043%); highest among the groups gnomAD compares: South Asian, 0.0055%; no homozygotes.

Submission:

CeGaT Center for Human Genetics Tuebingen
Classification: Uncertain significance. Last evaluated: 2023-04-01. Review status: criteria provided, single submitter. Criteria: CeGaT Center For Human Genetics Tuebingen Variant Classification Criteria Version 2. Collection method: clinical testing. Allele origin: germline. Affected: yes. Observed: 1 variant allele.
Comment: ATP6V1A: PM2, BP4